The following is an entry in ClinVar:

NM_015046.7(SETX):c.2399G>T (p.Arg800Met)

Gene: SETX (senataxin; minus strand). Cytogenetic location: 9q34.13.
Variant type: single nucleotide variant.
Coding change: c.2399G>T on transcript NM_015046.7 (MANE Select); coding-DNA position 2399, G replaced by T.
Protein change: p.Arg800Met; replaces arginine 800 with methionine.
Molecular consequence: missense variant.
Genome position (GRCh38, 1-based): chr9:132,329,199, C>A on the plus strand (G>T on the coding strand, the complement: SETX is on the minus strand). VCF-style: chr9-132329199-C-A. GRCh37 (hg19) VCF-style: chr9-135204586-C-A.
Other names: c.2399G>T, p.Arg800Met (NM_001351527.2, NM_001351528.2); short protein forms R800M.
Identifiers: ClinVar variation 662426 (VCV000662426.51), dbSNP rs761725498, ClinGen allele CA5297602.
Genomic context (GRCh38, chr9:132,329,199, plus strand): 5'-ATGTTAGATACAGTCAAATTTTCATCTAAATTGATAGTATTATCGACCAAAGTACTCTTC[C>A]TGTGTTGCTTCTTTATTACATGTGATAACTTTGCACAGATTTCATCTTTCTGTACCTTAG-3'
Protein context (NP_055861.3, residues 790-810): KLSHVIKKQH[Arg800Met]KSTLVDNTIN

ClinVar aggregate classification (germline): Conflicting classifications of pathogenicity. Review status: criteria provided, conflicting classifications (1 of 4 stars). 5 submissions from 5 submitters: Uncertain significance (4); Benign (1). Last evaluated 2026-02-25.

Conditions:
Inborn genetic diseases. Identifiers: MedGen C0950123, MeSH D030342.
Tay-Sachs disease (TSD). Also called: HEXA Disorders; GM2 gangliosidosis, type 1; Hexosaminidase alpha-subunit deficiency (variant B); Sphingolipidosis, Tay-Sachs; HEXA DEFICIENCY; Hexosaminidase A Deficiency. Identifiers: Orphanet 845, MedGen C0039373, MONDO:0010100, OMIM 272800.
SETX-related disorder. Also called: SETX-related condition; SETX-related disorders. Identifiers: MedGen CN239403.
Spinocerebellar ataxia, autosomal recessive, with axonal neuropathy 2 (SCAN2). Also called: Ataxia-ocular apraxia-2; Ataxia with Oculomotor Apraxia; Ataxia with Oculomotor Apraxia Type 2; ATAXIA-OCULOMOTOR APRAXIA 2. Identifiers: Orphanet 64753, MedGen C1853761, MONDO:0018996, OMIM 606002.
Amyotrophic lateral sclerosis type 4 (ALS4). Also called: AMYOTROPHIC LATERAL SCLEROSIS 4, JUVENILE; NEURONOPATHY, DISTAL HEREDITARY MOTOR, WITH PYRAMIDAL FEATURES. Identifiers: Orphanet 357043, MedGen C1865409, MONDO:0011223, OMIM 602433.

Allele frequency attached by ClinVar (database versions not stated): gnomAD 0.00003; TOPMed 0.00004.
gnomAD v4.1: 56 of 1,613,544 alleles (0.0035%); highest among the groups gnomAD compares: Non-Finnish European, 0.0046%; no homozygotes.

Submissions (5):

PreventionGenetics, part of Exact Sciences
Classification: Uncertain significance for SETX-related condition. Last evaluated: 2026-02-25. Review status: criteria provided, single submitter. Criteria: ACMG Guidelines, 2015. Collection method: clinical testing. Allele origin: germline.
Comment: The SETX c.2399G>T variant is predicted to result in the amino acid substitution p.Arg800Met. To our knowledge, this variant has not been reported in the literature. This variant is reported in 0.0036% of alleles in individuals of European (non-Finnish) descent in gnomAD. At this time, the clinical significance of this variant is uncertain due to the absence of conclusive functional and genetic evidence.

Labcorp Genetics (formerly Invitae), Labcorp
Classification: Benign for Amyotrophic lateral sclerosis type 4; Spinocerebellar ataxia, autosomal recessive, with axonal neuropathy 2. Last evaluated: 2024-07-26. Review status: criteria provided, single submitter. Criteria: Invitae Variant Classification Sherloc (09022015). Collection method: clinical testing. Allele origin: germline.

MGZ Medical Genetics Center
Classification: Uncertain significance for Tay-Sachs disease. Last evaluated: 2021-12-03. Review status: criteria provided, single submitter. Criteria: ACMG Guidelines, 2015. Collection method: clinical testing. Allele origin: germline. Affected: yes. Observed: 1 variant allele.
Comment: ACMG criteria applied: PM2_SUP

Ambry Genetics
Classification: Uncertain significance for Inborn genetic diseases. Last evaluated: 2021-12-01. Review status: criteria provided, single submitter. Criteria: Ambry Variant Classification Scheme 2023. Collection method: clinical testing. Allele origin: germline.
Comment: The p.R800M variant (also known as c.2399G>T), located in coding exon 8 of the SETX gene, results from a G to T substitution at nucleotide position 2399. The arginine at codon 800 is replaced by methionine, an amino acid with similar properties. This amino acid position is conserved. In addition, this alteration is predicted to be tolerated by in silico analysis. Since supporting evidence is limited at this time, the clinical significance of this alteration remains unclear.

CeGaT Center for Human Genetics Tuebingen
Classification: Uncertain significance. Last evaluated: 2020-07-01. Review status: criteria provided, single submitter. Criteria: CeGaT Center For Human Genetics Tuebingen Variant Classification Criteria Version 2. Collection method: clinical testing. Allele origin: germline. Affected: yes. Observed: 1 variant allele.